The following is an entry in ClinVar:

ClinVar aggregate classification (germline): Uncertain significance (1 of 4 stars; one submission).

Submission:

Labcorp Genetics (formerly Invitae), Labcorp
Classification: Uncertain significance. Last evaluated: 2022-05-25. Review status: criteria provided, single submitter. Criteria: Invitae Variant Classification Sherloc (09022015). Collection method: clinical testing. Allele origin: germline.
Comment: Algorithms developed to predict the effect of missense changes on protein structure and function (SIFT, PolyPhen-2, Align-GVGD) all suggest that this variant is likely to be tolerated. In summary, the available evidence is currently insufficient to determine the role of this variant in disease. Therefore, it has been classified as a Variant of Uncertain Significance. This variant has not been reported in the literature in individuals affected with CACNA1F-related conditions. This variant is not present in population databases (gnomAD no frequency). This sequence change replaces glutamine, which is neutral and polar, with histidine, which is basic and polar, at codon 182 of the CACNA1F protein (p.Gln182His).

NM_001256789.3(CACNA1F):c.546G>T (p.Gln182His)

Gene: CACNA1F (calcium voltage-gated channel subunit alpha1 F; minus strand). Cytogenetic location: Xp11.23.
Variant type: single nucleotide variant.
Coding change: c.546G>T on transcript NM_001256789.3 (MANE Select); coding-DNA position 546, G replaced by T.
Protein change: p.Gln182His; replaces glutamine 182 with histidine.
Molecular consequence: missense variant.
Genome position (GRCh38, 1-based): chrX:49,230,585, C>A on the plus strand (G>T on the coding strand, the complement: CACNA1F is on the minus strand). VCF-style: chrX-49230585-C-A. GRCh37 (hg19) VCF-style: chrX-49087047-C-A.
Other names: c.351G>T, p.Gln117His (NM_001256790.3); c.546G>T, p.Gln182His (NM_005183.4); short protein forms Q117H, Q182H.
Identifiers: ClinVar variation 2043894 (VCV002043894.4), dbSNP rs1355370464, ClinGen allele CA412925580.
Genomic context (GRCh38, chrX:49,230,585, plus strand): 5'-CACATCGAAGCCTCCTGGCTTTCCCCCGGTGTGCGGGGCGTCGCCTGGCCGTCCGGGGCC[C>A]TGCTCCAGCAGAACGCTGAACAGCCTGATGGGGGAGCACCGGGCAGGGAGGCGGAGGTCA-3'
Protein context (NP_001243718.1, residues 172-192): VVGLFSVLLE[Gln182His]GPGRPGDAPH